The following is an entry in ClinVar:

NM_006946.4(SPTBN2):c.5730C>G (p.Phe1910Leu)

Gene: SPTBN2 (spectrin beta, non-erythrocytic 2; minus strand). Cytogenetic location: 11q13.2.
Variant type: single nucleotide variant.
Coding change: c.5730C>G on transcript NM_006946.4 (MANE Select); coding-DNA position 5730, C replaced by G.
Protein change: p.Phe1910Leu; replaces phenylalanine 1910 with leucine.
Molecular consequence: missense variant.
Genome position (GRCh38, 1-based): chr11:66,690,119, G>C on the plus strand (C>G on the coding strand, the complement: SPTBN2 is on the minus strand). VCF-style: chr11-66690119-G-C. GRCh37 (hg19) VCF-style: chr11-66457590-G-C.
Other names: c.5751C>G, p.Phe1917Leu (NM_001411025.1); short protein forms F1917L, F1910L.
Identifiers: ClinVar variation 3571806 (VCV003571806.2).

ClinVar aggregate classification (germline): Uncertain significance. Review status: criteria provided, multiple submitters, no conflicts (2 of 4 stars). 2 submissions from 2 submitters: Uncertain significance (2). Last evaluated 2025-08-19.

Conditions:
Inborn genetic diseases. Identifiers: MedGen C0950123, MeSH D030342.

gnomAD v4.1: 3 of 1,614,132 alleles (0.00019%); highest among the groups gnomAD compares: Non-Finnish European, 0.00025%; no homozygotes.

Submissions (2):

Ambry Genetics
Classification: Uncertain significance for Inborn genetic diseases. Last evaluated: 2025-08-19. Review status: criteria provided, single submitter. Criteria: Ambry Variant Classification Scheme 2023. Collection method: clinical testing. Allele origin: germline.

Athena Diagnostics
Classification: Uncertain significance. Last evaluated: 2023-10-11. Review status: criteria provided, single submitter. Criteria: Athena Diagnostics Criteria. Collection method: clinical testing. Allele origin: unknown.
Comment: Available data are insufficient to determine the clinical significance of the variant at this time. The frequency of this variant in the general population is uninformative in assessment of its pathogenicity. This variant has been seen where an alternate explanation for disease was also identified, suggesting this variant may not cause disease. Computational tools predict that this variant is damaging.